The following is an entry in ClinVar:

NM_004429.5(EFNB1):c.430G>C (p.Gly144Arg)

Gene: EFNB1 (ephrin B1; plus strand). Cytogenetic location: Xq13.1.
Variant type: single nucleotide variant.
Coding change: c.430G>C on transcript NM_004429.5 (MANE Select); coding-DNA position 430, G replaced by C.
Protein change: p.Gly144Arg; replaces glycine 144 with arginine.
Molecular consequence: missense variant.
Genome position (GRCh38, 1-based): chrX:68,839,687, G>C. VCF-style: chrX-68839687-G-C. GRCh37 (hg19) VCF-style: chrX-68059530-G-C.
Other names: short protein forms G144R.
Identifiers: ClinVar variation 2110551 (VCV002110551.4), dbSNP rs2519539191, ClinGen allele CA413437942.

ClinVar aggregate classification (germline): Uncertain significance (1 of 4 stars; one submission).

Submission:

Labcorp Genetics (formerly Invitae), Labcorp
Classification: Uncertain significance. Last evaluated: 2023-08-30. Review status: criteria provided, single submitter. Criteria: Invitae Variant Classification Sherloc (09022015). Collection method: clinical testing. Allele origin: germline.
Comment: ClinVar contains an entry for this variant (Variation ID: 2110551). Advanced modeling of protein sequence and biophysical properties (such as structural, functional, and spatial information, amino acid conservation, physicochemical variation, residue mobility, and thermodynamic stability) performed at Invitae indicates that this missense variant is expected to disrupt EFNB1 protein function. In summary, the available evidence is currently insufficient to determine the role of this variant in disease. Therefore, it has been classified as a Variant of Uncertain Significance. This variant has not been reported in the literature in individuals affected with EFNB1-related conditions. This sequence change replaces glycine, which is neutral and non-polar, with arginine, which is basic and polar, at codon 144 of the EFNB1 protein (p.Gly144Arg). This variant is not present in population databases (gnomAD no frequency).